The following is an entry in ClinVar:

NM_001148.6(ANK2):c.3923A>G (p.Gln1308Arg)

Gene: ANK2 (ankyrin 2; plus strand). Cytogenetic location: 4q26.
Variant type: single nucleotide variant.
Coding change: c.3923A>G on transcript NM_001148.6 (MANE Select); coding-DNA position 3923, A replaced by G.
Protein change: p.Gln1308Arg; replaces glutamine 1308 with arginine.
Molecular consequence: missense variant.
Genome position (GRCh38, 1-based): chr4:113,341,717, A>G. VCF-style: chr4-113341717-A-G. GRCh37 (hg19) VCF-style: chr4-114262873-A-G.
Other names: p.Q1308R:CAG>CGG; c.3896A>G, p.Gln1299Arg (NM_001127493.3); c.3935A>G, p.Gln1312Arg (NM_001354225.2); c.3824A>G, p.Gln1275Arg (NM_001354228.2, NM_001354258.2); c.3902A>G, p.Gln1301Arg (NM_001354230.2); c.3965A>G, p.Gln1322Arg (NM_001354231.2, NM_001354242.2); c.3959A>G, p.Gln1320Arg (NM_001354232.2); c.3920A>G, p.Gln1307Arg (NM_001354235.2, NM_001354246.2, NM_001354265.2); and 32 more; short protein forms Q1299R, Q1308R, Q1180R, Q1213R, Q1233R, Q1241R, Q1246R, Q1254R.
Identifiers: ClinVar variation 190603 (VCV000190603.3), dbSNP rs767758503, ClinGen allele CA301061.
Genomic context (GRCh38, chr4:113,341,717, plus strand): 5'-TTTAGATAACTGACTTTATTTATTTTAATAGGTTCTGGCTGATAGATTGTCGACAGATCC[A>G]GGAATCCGTTACTTTTGCATCACAAGTATACAGAGAAATTATCTGCGTACCTTATATGGC-3'
Protein context (NP_001139.3, residues 1298-1318): RFWLIDCRQI[Gln1308Arg]ESVTFASQVY

ClinVar aggregate classification (germline): Uncertain significance. Review status: criteria provided, multiple submitters, no conflicts (2 of 4 stars). 2 submissions from 2 submitters: Uncertain significance (2). Last evaluated 2023-12-04.

Conditions:
Cardiovascular phenotype. Identifiers: MedGen CN230736.

Allele frequency attached by ClinVar (database versions not stated): gnomAD exomes below 0.00001 and 0.00001; gnomAD 0.00001.
gnomAD v4.1: 11 of 1,614,064 alleles (0.00068%); highest among the groups gnomAD compares: Non-Finnish European, 0.00093%; no homozygotes.

Submissions (2):

Ambry Genetics
Classification: Uncertain significance for Cardiovascular phenotype. Last evaluated: 2023-12-04. Review status: criteria provided, single submitter. Criteria: Ambry Variant Classification Scheme 2023. Collection method: clinical testing. Allele origin: germline.
Comment: The p.Q1308R variant (also known as c.3923A>G), located in coding exon 33 of the ANK2 gene, results from an A to G substitution at nucleotide position 3923. The glutamine at codon 1308 is replaced by arginine, an amino acid with highly similar properties. This amino acid position is conserved. In addition, this alteration is predicted to be tolerated by in silico analysis. Since supporting evidence is limited at this time, the clinical significance of this alteration remains unclear.

GeneDx
Classification: Uncertain significance. Last evaluated: 2011-11-21. Review status: criteria provided, single submitter. Criteria: GeneDx Variant Classification (06012015). Collection method: clinical testing. Allele origin: germline. Affected: yes.
Comment: The Gln1308Arg variant in the ANK2 gene has not been reported previously as a disease-causing mutation or as a benign polymorphism, to our knowledge. Gln1308Arg results in a semi-conservative amino acid substitution of an uncharged, polar Glutamine with a positively charged Arginine residue at a position that is conserved in mammals. Additionally, Gln1308Arg was not observed in up to 400 control chromosomes from individuals of Caucasian and African American ancestry tested at GeneDx, indicating it is not a common benign polymorphism in these populations. Nevertheless, in silico analysis predicts Gln1308Arg is benign to the protein structure/function. Also, no mutations in surrounding residues have been reported in association with LQTS to date, indicating this region of the protein may be tolerant of change. In summary, with the clinical and molecular information available at this time, we cannot unequivocally determine the clinical significance of the Gln1308Arg variant. The variant is found in LQT panel(s).